The following is an entry in ClinVar:

NM_006612.6(KIF1C):c.830C>T (p.Thr277Ile)

Genes: KIF1C (kinesin family member 1C; plus strand), LOC126862472 (CDK7 strongly-dependent group 2 enhancer GRCh37_chr17:4906716-4907915; plus strand). Cytogenetic location: 17p13.2.
Variant type: single nucleotide variant.
Coding change: c.830C>T on transcript NM_006612.6 (MANE Select); coding-DNA position 830, C replaced by T.
Protein change: p.Thr277Ile; replaces threonine 277 with isoleucine.
Molecular consequence: missense variant.
Genome position (GRCh38, 1-based): chr17:5,003,882, C>T. VCF-style: chr17-5003882-C-T. GRCh37 (hg19) VCF-style: chr17-4907177-C-T.
Other names: c.830C>T (NM_006612.5); short protein forms T277I.
Identifiers: ClinVar variation 3777087 (VCV003777087.1).
Genomic context (GRCh38, chr17:5,003,882, plus strand): 5'-TCATCCCCACATTCCTCATCCTTTTCCAGGAAGGAGCCAACATCAATAAGTCCCTGACTA[C>T]ACTAGGGAAAGTGATCTCGGCCCTTGCAGATATGGTGAGACCTGGGTGTTGGAAAGAAGG-3'
Protein context (NP_006603.2, residues 267-287): EGANINKSLT[Thr277Ile]LGKVISALAD

ClinVar aggregate classification (germline): Uncertain significance (1 of 4 stars; one submission).

Conditions:
Spastic ataxia 2. Also called: Ataxia, spastic, 2, autosomal recessive. Identifiers: Orphanet 397946, MedGen C1969796, MONDO:0012651, OMIM 611302.

Submission:

University of Washington Department of Laboratory Medicine, University of Washington
Classification: Uncertain significance for Spastic ataxia 2. Last evaluated: 2022-02-03. Review status: criteria provided, single submitter. Criteria: ACMG Guidelines, 2015. Collection method: clinical testing. Allele origin: unknown. Affected: yes.
Comment: The p.Thr277Ile variant in the KIF1C gene has not been previously reported in association with disease. This variant has been identified in 1/251488 chromosomes by the Genome Aggregation Database. Although this variant has been seen in the general population, its frequency is low enough to be consistent with a recessive carrier frequency. In silico tools predict that the p.Thr277Ile variant is deleterious; however, these predictions have not been tested directly. Using ACMG guidelines, this variant was classified as a variant of uncertain significance (ACMG evidence codes used: PM2_supporting, PP3).